The following is an entry in ClinVar:

ClinVar aggregate classification (germline): Uncertain significance (1 of 4 stars; one submission).

Submission:

CeGaT Center for Human Genetics Tuebingen
Classification: Uncertain significance. Last evaluated: 2026-08-01. Review status: criteria provided, single submitter. Criteria: CeGaT Center For Human Genetics Tuebingen Variant Classification Criteria Version 2. Collection method: clinical testing. Allele origin: germline. Affected: yes. Observed: 1 variant allele.
Comment: TRPV4: PM2, PM4:Supporting

NM_021625.5(TRPV4):c.1369_1371del (p.Glu457del)

Gene: TRPV4 (transient receptor potential cation channel subfamily V member 4; minus strand). Cytogenetic location: 12q24.11.
Variant type: Deletion.
Coding change: c.1369_1371del on transcript NM_021625.5 (MANE Select); coding-DNA positions 1369 to 1371, 3 bases deleted (GAA; older notation c.1369_1371delGAA).
Protein change: p.Glu457del; deletes glutamic acid 457.
Molecular consequence: inframe indel (on NM_001177431.2).
Genome position (GRCh38, 1-based): chr12:109,794,449-109,794,451, TTC deleted on the plus strand (GAA on the coding strand, the reverse complement: TRPV4 is on the minus strand). VCF-style (leftmost placement, unchanged base first): chr12-109794448-GTTC-G. GRCh37 (hg19) VCF-style: chr12-110232253-GTTC-G.
Other names: c.1267_1269delGAA, p.Glu423del (NM_001177431.2); c.1048_1050delGAA, p.Glu350del (NM_001177433.2); c.1189_1191delGAA, p.Glu397del (NM_147204.3); c.1228_1230delGAA, p.Glu410del (NM_001177428.2); short protein forms E350del, E397del, E410del, E423del, E457del.
Identifiers: ClinVar variation 5040601 (VCV005040601.1).